The following is an entry in ClinVar:

ClinVar aggregate classification (germline): Uncertain significance (1 of 4 stars; one submission).

Submission:

GeneDx
Classification: Uncertain significance. Last evaluated: 2024-05-02. Review status: criteria provided, single submitter. Criteria: GeneDx Variant Classification Process June 2021. Collection method: clinical testing. Allele origin: germline. Affected: yes.
Comment: Not observed at significant frequency in large population cohorts (gnomAD); In silico analysis supports that this missense variant has a deleterious effect on protein structure/function; Has not been previously published as pathogenic or benign to our knowledge

NM_198503.5(KCNT2):c.2018C>A (p.Pro673His)

Gene: KCNT2 (potassium sodium-activated channel subfamily T member 2; minus strand). Cytogenetic location: 1q31.3.
Variant type: single nucleotide variant.
Coding change: c.2018C>A on transcript NM_198503.5 (MANE Select); coding-DNA position 2018, C replaced by A.
Protein change: p.Pro673His; replaces proline 673 with histidine.
Molecular consequence: missense variant. On other transcripts: non-coding transcript variant (2).
Genome position (GRCh38, 1-based): chr1:196,331,241, G>T on the plus strand (C>A on the coding strand, the complement: KCNT2 is on the minus strand). VCF-style: chr1-196331241-G-T. GRCh37 (hg19) VCF-style: chr1-196300371-G-T.
Other names: c.2018C>A, p.Pro673His (NM_001287819.3); c.1868C>A, p.Pro623His (NM_001287820.3); short protein forms P623H, P673H.
Identifiers: ClinVar variation 3375908 (VCV003375908.1).